The following is an entry in ClinVar:

ClinVar aggregate classification (germline): Uncertain significance. Review status: criteria provided, multiple submitters, no conflicts (2 of 4 stars). 4 submissions from 4 submitters: Uncertain significance (4). Last evaluated 2024-03-25.

Conditions:
Joubert syndrome 23 (JBTS23). Identifiers: Orphanet 475, MedGen C4084822, MONDO:0014664, OMIM 616490.
Short-rib thoracic dysplasia 14 with polydactyly (SRTD14). Identifiers: Orphanet 397715, MedGen C4225286, MONDO:0014688, OMIM 616546.
Inborn genetic diseases. Identifiers: MedGen C0950123, MeSH D030342.

Allele frequency attached by ClinVar (database versions not stated): gnomAD 0.00013 and 0.00014; gnomAD exomes 0.00014; ExAC 0.00021; TOPMed 0.00021; ESP Exome Variant Server 0.00060.
gnomAD v4.1: 250 of 1,556,662 alleles (0.016%); highest among the groups gnomAD compares: Non-Finnish European, 0.02%; no homozygotes.

Submissions (4):

GeneDx
Classification: Uncertain significance. Last evaluated: 2024-03-25. Review status: criteria provided, single submitter. Criteria: GeneDx Variant Classification Process June 2021. Collection method: clinical testing. Allele origin: germline. Affected: yes.
Comment: In silico analysis supports that this missense variant has a deleterious effect on protein structure/function; Has not been previously published as pathogenic or benign to our knowledge

Labcorp Genetics (formerly Invitae), Labcorp
Classification: Uncertain significance for Joubert syndrome 23; Short-rib thoracic dysplasia 14 with polydactyly. Last evaluated: 2022-08-09. Review status: criteria provided, single submitter. Criteria: Invitae Variant Classification Sherloc (09022015). Collection method: clinical testing. Allele origin: germline.
Comment: This sequence change replaces threonine, which is neutral and polar, with arginine, which is basic and polar, at codon 144 of the KIAA0586 protein (p.Thr144Arg). This variant is present in population databases (rs200627657, gnomAD 0.02%). This variant has not been reported in the literature in individuals affected with KIAA0586-related conditions. ClinVar contains an entry for this variant (Variation ID: 1300425). Algorithms developed to predict the effect of missense changes on protein structure and function are either unavailable or do not agree on the potential impact of this missense change (SIFT: "Deleterious"; PolyPhen-2: "Possibly Damaging"; Align-GVGD: "Class C0"). In summary, the available evidence is currently insufficient to determine the role of this variant in disease. Therefore, it has been classified as a Variant of Uncertain Significance.

Ambry Genetics
Classification: Uncertain significance for Inborn genetic diseases. Last evaluated: 2022-06-30. Review status: criteria provided, single submitter. Criteria: Ambry Variant Classification Scheme 2023. Collection method: clinical testing. Allele origin: germline.

Revvity Omics, Revvity
Classification: Uncertain significance. Last evaluated: 2021-04-16. Review status: criteria provided, single submitter. Criteria: ACMG Guidelines, 2015. Collection method: clinical testing. Allele origin: germline.

NM_001329943.3(KIAA0586):c.395C>G (p.Thr132Arg)

Gene: KIAA0586 (KIAA0586; plus strand). Cytogenetic location: 14q23.1.
Variant type: single nucleotide variant.
Coding change: c.395C>G on transcript NM_001329943.3 (MANE Select); coding-DNA position 395, C replaced by G.
Protein change: p.Thr132Arg; replaces threonine 132 with arginine.
Molecular consequence: missense variant.
Genome position (GRCh38, 1-based): chr14:58,432,442, C>G. VCF-style: chr14-58432442-C-G. GRCh37 (hg19) VCF-style: chr14-58899160-C-G.
Other names: c.431C>G, p.Thr144Arg (NM_001244189.2); c.350C>G, p.Thr117Arg (NM_001244190.2); c.140C>G, p.Thr47Arg (NM_001244191.2, NM_001244192.2, NM_001329945.2 and 2 more transcripts); c.395C>G, p.Thr132Arg (NM_001329944.2, NM_001329946.2, NM_001329947.2 and 1 more transcripts); c.395C>G (NM_014749.3); short protein forms T117R, T132R, T144R, T47R.
Identifiers: ClinVar variation 1300425 (VCV001300425.9), dbSNP rs200627657, ClinGen allele CA7205360.